The following is an entry in ClinVar:

NM_004369.4(COL6A3):c.1228G>A (p.Asp410Asn)

Gene: COL6A3 (collagen type VI alpha 3 chain; minus strand). Cytogenetic location: 2q37.3.
Variant type: single nucleotide variant.
Coding change: c.1228G>A on transcript NM_004369.4 (MANE Select); coding-DNA position 1228, G replaced by A.
Protein change: p.Asp410Asn; replaces aspartic acid 410 with asparagine.
Molecular consequence: missense variant. On other transcripts: intron variant (2).
Genome position (GRCh38, 1-based): chr2:237,387,666, C>T on the plus strand (G>A on the coding strand, the complement: COL6A3 is on the minus strand). VCF-style: chr2-237387666-C-T. GRCh37 (hg19) VCF-style: chr2-238296309-C-T.
Other names: c.610G>A, p.Asp204Asn (NM_057165.5, NM_057167.4); c.92-6167G>A (NM_057166.5, NM_057164.5); short protein forms D410N, D204N.
Identifiers: ClinVar variation 283891 (VCV000283891.44), dbSNP rs35914491, ClinGen allele CA2189677.

ClinVar aggregate classification (germline): Benign/Likely benign. Review status: criteria provided, multiple submitters, no conflicts (2 of 4 stars). 6 submissions from 6 submitters: Benign (4); Likely benign (2). Last evaluated 2025-12-17.

Conditions:
Collagen 6-related myopathy. Identifiers: MedGen CN117976, MONDO:0100225.
Bethlem myopathy 1A. Also called: Bethlem myopathy 1; MYOPATHY, BENIGN CONGENITAL, WITH CONTRACTURES; Bethlem Muscular Dystrophy. Identifiers: Orphanet 610, MedGen CN029274, MONDO:0024530, OMIM 158810.

Allele frequency attached by ClinVar (database versions not stated): TOPMed 0.00025; 1000 Genomes Project 30x 0.00031; 1000 Genomes Project 0.00040; ESP Exome Variant Server 0.00062; ExAC 0.00119.
gnomAD v4.1: 1,205 of 1,613,792 alleles (0.075%); highest among the groups gnomAD compares: Non-Finnish European, 0.039%; 7 homozygotes.

Submissions (6):

Labcorp Genetics (formerly Invitae), Labcorp
Classification: Benign for Bethlem myopathy 1A. Last evaluated: 2025-12-17. Review status: criteria provided, single submitter. Criteria: Invitae Variant Classification Sherloc (09022015). Collection method: clinical testing. Allele origin: germline.

Blueprint Genetics
Classification: Likely benign. Last evaluated: 2024-11-07. Review status: criteria provided, single submitter. Criteria: ACMG Guidelines, 2015. Collection method: clinical testing. Allele origin: germline.

CeGaT Center for Human Genetics Tuebingen
Classification: Benign. Last evaluated: 2023-08-01. Review status: criteria provided, single submitter. Criteria: CeGaT Center For Human Genetics Tuebingen Variant Classification Criteria Version 2. Collection method: clinical testing. Allele origin: germline. Affected: yes. Observed: 1 variant allele.
Comment: COL6A3: BP4, BS1, BS2

Illumina Laboratory Services, Illumina
Classification: Benign for Collagen VI-related myopathy. Last evaluated: 2018-01-13. Review status: criteria provided, single submitter. Criteria: ICSL Variant Classification Criteria 13 December 2019. Collection method: clinical testing. Allele origin: germline.
Comment: This variant was observed in the ICSL laboratory as part of a predisposition screen in an ostensibly healthy population. It had not been previously curated by ICSL or reported in the Human Gene Mutation Database (HGMD: prior to June 1st, 2018), and was therefore a candidate for classification through an automated scoring system. Utilizing variant allele frequency, disease prevalence and penetrance estimates, and inheritance mode, an automated score was calculated to assess if this variant is too frequent to cause the disease. Based on the score and internal cut-off values, a variant classified as benign is not then subjected to further curation. The score for this variant resulted in a classification of benign for this disease.

GeneDx
Classification: Likely benign. Last evaluated: 2017-10-17. Review status: criteria provided, single submitter. Criteria: GeneDx Variant Classification (06012015). Collection method: clinical testing. Allele origin: germline. Affected: yes.
Comment: This variant is considered likely benign or benign based on one or more of the following criteria: it is a conservative change, it occurs at a poorly conserved position in the protein, it is predicted to be benign by multiple in silico algorithms, and/or has population frequency not consistent with disease.

Eurofins Ntd Llc (ga)
Classification: Benign. Last evaluated: 2015-10-14. Review status: criteria provided, single submitter. Criteria: EGL Classification Definitions 2015. Collection method: clinical testing. Allele origin: germline. Observed: 1 variant allele, 1 heterozygote.